The following is an entry in ClinVar:

ClinVar aggregate classification (germline): Uncertain significance (1 of 4 stars; one submission).

Conditions:
Inborn genetic diseases. Identifiers: MedGen C0950123, MeSH D030342.

Submission:

Ambry Genetics
Classification: Uncertain significance for Inborn genetic diseases. Last evaluated: 2018-02-14. Review status: criteria provided, single submitter. Criteria: Ambry Variant Classification Scheme 2023. Collection method: clinical testing. Allele origin: germline.
Comment: The p.D1168E variant (also known as c.3504T>G), located in coding exon 13 of the CHD7 gene, results from a T to G substitution at nucleotide position 3504. The aspartic acid at codon 1168 is replaced by glutamic acid, an amino acid with highly similar properties. This amino acid position is highly conserved in available vertebrate species. In addition, the in silico prediction for this alteration is inconclusive. Since supporting evidence is limited at this time, the clinical significance of this alteration remains unclear.

NM_017780.4(CHD7):c.3504T>G (p.Asp1168Glu)

Gene: CHD7 (chromodomain helicase DNA binding protein 7; plus strand). Cytogenetic location: 8q12.2.
Variant type: single nucleotide variant.
Coding change: c.3504T>G on transcript NM_017780.4 (MANE Select); coding-DNA position 3504, T replaced by G.
Protein change: p.Asp1168Glu; replaces aspartic acid 1168 with glutamic acid.
Molecular consequence: missense variant. On other transcripts: intron variant (1).
Genome position (GRCh38, 1-based): chr8:60,828,788, T>G. VCF-style: chr8-60828788-T-G. GRCh37 (hg19) VCF-style: chr8-61741347-T-G.
Other names: c.1717-33441T>G (NM_001316690.1); short protein forms D1168E.
Identifiers: ClinVar variation 1732106 (VCV001732106.2), dbSNP rs1804368811, ClinGen allele CA371314393.